The following is an entry in ClinVar:

ClinVar aggregate classification (germline): Uncertain significance (1 of 4 stars; one submission).

gnomAD v4.1: 1 of 1,614,020 alleles (0.000062%); no homozygotes.

Submission:

Labcorp Genetics (formerly Invitae), Labcorp
Classification: Uncertain significance. Last evaluated: 2023-07-07. Review status: criteria provided, single submitter. Criteria: Invitae Variant Classification Sherloc (09022015). Collection method: clinical testing. Allele origin: germline.
Comment: In summary, the available evidence is currently insufficient to determine the role of this variant in disease. Therefore, it has been classified as a Variant of Uncertain Significance. ClinVar contains an entry for this variant (Variation ID: 934229). This variant has not been reported in the literature in individuals affected with GNB3-related conditions. This variant is not present in population databases (gnomAD no frequency). This sequence change creates a premature translational stop signal (p.Gln259*) in the GNB3 gene. It is expected to result in an absent or disrupted protein product. However, the current clinical and genetic evidence is not sufficient to establish whether loss-of-function variants in GNB3 cause disease.

NM_002075.4(GNB3):c.775C>T (p.Gln259Ter)

Genes: GNB3 (G protein subunit beta 3; plus strand), CDCA3 (cell division cycle associated 3; minus strand). Cytogenetic location: 12p13.31.
Variant type: single nucleotide variant.
Coding change: c.775C>T on transcript NM_002075.4 (MANE Select); coding-DNA position 775, C replaced by T.
Protein change: p.Gln259Ter; replaces glutamine 259 with a stop codon.
Molecular consequence: nonsense. On other transcripts: 3 prime UTR variant (1).
Genome position (GRCh38, 1-based): chr12:6,845,661, C>T. VCF-style: chr12-6845661-C-T. GRCh37 (hg19) VCF-style: chr12-6954825-C-T.
Other names: c.772C>T, p.Gln258Ter (NM_001297571.2); c.*1127G>A (NM_001297603.3); short protein forms Q259*, Q258*.
Identifiers: ClinVar variation 934229 (VCV000934229.8), dbSNP rs1943678216, ClinGen allele CA383674820.